The following is an entry in ClinVar:

ClinVar aggregate classification (germline): Uncertain significance (0 of 4 stars; one submission).

Conditions:
PLXNA2-related disorder. Also called: PLXNA2-related condition.

gnomAD v4.1: 2 of 1,613,986 alleles (0.00012%); highest among the groups gnomAD compares: Admixed American, 0.0033%; no homozygotes.

Submission:

PreventionGenetics, part of Exact Sciences
Classification: Uncertain significance for PLXNA2-related condition. Last evaluated: 2024-01-08. Review status: no assertion criteria provided. Collection method: clinical testing. Allele origin: germline.
Comment: The PLXNA2 c.3988G>C variant is predicted to result in the amino acid substitution p.Glu1330Gln. To our knowledge, this variant has not been reported in the literature. This variant is reported in 0.0058% of alleles in individuals of Latino descent in gnomAD. At this time, the clinical significance of this variant is uncertain due to the absence of conclusive functional and genetic evidence.

NM_025179.4(PLXNA2):c.3988G>C (p.Glu1330Gln)

Gene: PLXNA2 (plexin A2; minus strand). Cytogenetic location: 1q32.2.
Variant type: single nucleotide variant.
Coding change: c.3988G>C on transcript NM_025179.4 (MANE Select); coding-DNA position 3988, G replaced by C.
Protein change: p.Glu1330Gln; replaces glutamic acid 1330 with glutamine.
Molecular consequence: missense variant.
Genome position (GRCh38, 1-based): chr1:208,043,090, C>G on the plus strand (G>C on the coding strand, the complement: PLXNA2 is on the minus strand). VCF-style: chr1-208043090-C-G. GRCh37 (hg19) VCF-style: chr1-208216435-C-G.
Other names: short protein forms E1330Q.
Identifiers: ClinVar variation 3357519 (VCV003357519.1).